The following is an entry in ClinVar:

ClinVar aggregate classification (germline): Likely benign. Review status: criteria provided, multiple submitters, no conflicts (2 of 4 stars). 2 submissions from 2 submitters: Likely benign (2). Last evaluated 2026-09-09.

Conditions:
Distal hereditary motor neuropathy type 2. Identifiers: Orphanet 139525, MedGen C3711384, MeSH C580044, MONDO:0015352.
FBXO38-related disorder. Also called: FBXO38-related condition.

Allele frequency attached by ClinVar (database versions not stated): ExAC 0.00001; gnomAD 0.00002 and 0.00003; gnomAD exomes 0.00002; TOPMed 0.00002; ESP Exome Variant Server 0.00015.
gnomAD v4.1: 29 of 1,614,030 alleles (0.0018%); highest among the groups gnomAD compares: Middle Eastern, 0.033%; no homozygotes.

Submissions (2):

PreventionGenetics, part of Exact Sciences
Classification: Likely benign for FBXO38-related condition. Last evaluated: 2026-09-09. Review status: criteria provided, single submitter. Criteria: ACMG Guidelines, 2015. Collection method: clinical testing. Allele origin: germline.
Comment: This variant is classified as likely benign based on ACMG/AMP sequence variant interpretation guidelines (Richards et al. 2015 PMID: 25741868, with internal and published modifications).

Labcorp Genetics (formerly Invitae), Labcorp
Classification: Likely benign for Distal hereditary motor neuropathy type 2. Last evaluated: 2025-07-09. Review status: criteria provided, single submitter. Criteria: Invitae Variant Classification Sherloc (09022015). Collection method: clinical testing. Allele origin: germline.

NM_205836.3(FBXO38):c.2211C>T (p.Ser737=)

Gene: FBXO38 (F-box protein 38; plus strand). Cytogenetic location: 5q32.
Variant type: single nucleotide variant.
Coding change: c.2211C>T on transcript NM_205836.3 (MANE Select); coding-DNA position 2211, C replaced by T.
Protein change: p.Ser737=; no amino-acid change (serine 737 retained).
Molecular consequence: synonymous variant. On other transcripts: intron variant (1).
Genome position (GRCh38, 1-based): chr5:148,427,505, C>T. VCF-style: chr5-148427505-C-T. GRCh37 (hg19) VCF-style: chr5-147807068-C-T.
Other names: c.2211C>T, p.Ser737= (NM_030793.5); c.1918+1804C>T (NM_001271723.2).
Identifiers: ClinVar variation 772953 (VCV000772953.12), dbSNP rs145527741, ClinGen allele CA3497472.